The following is an entry in ClinVar:

NM_001018115.3(FANCD2):c.1214A>G (p.Asn405Ser)

Genes: FANCD2 (FA complementation group D2; plus strand), LOC107303338 (3p25 FANCD2 Alu-mediated recombination region; plus strand). Cytogenetic location: 3p25.3.
Variant type: single nucleotide variant.
Coding change: c.1214A>G on transcript NM_001018115.3 (MANE Select); coding-DNA position 1214, A replaced by G.
Protein change: p.Asn405Ser; replaces asparagine 405 with serine.
Molecular consequence: missense variant.
Genome position (GRCh38, 1-based): chr3:10,046,659, A>G. VCF-style: chr3-10046659-A-G. GRCh37 (hg19) VCF-style: chr3-10088343-A-G.
Other names: NP_001018125.1:p.Asn405Ser; c.1214A>G, p.Asn405Ser (NM_001319984.2, NM_001374253.1, NM_001374254.1 and 1 more transcripts); short protein forms N405S.
Identifiers: ClinVar variation 342263 (VCV000342263.21), dbSNP rs73126218, ClinGen allele CA2249549.

ClinVar aggregate classification (germline): Benign/Likely benign. Review status: criteria provided, multiple submitters, no conflicts (2 of 4 stars). 8 submissions from 8 submitters: Benign (7); Likely benign (1). Last evaluated 2026-03-23.

Conditions:
Fanconi anemia (FA). Also called: Fanconi's anemia. Identifiers: Orphanet 84, MedGen C0015625, MeSH D005199, MONDO:0019391.
Hereditary breast ovarian cancer syndrome. Also called: Hereditary breast and/or ovarian cancer syndrome; Hereditary breast and ovarian cancer syndrome (HBOC); Breast and ovarian cancer; BRCA1- and BRCA2-Associated Hereditary Breast and Ovarian Cancer; Hereditary breast and ovarian cancer; Hereditary breast and ovarian cancer syndrome. Identifiers: Orphanet 145, MedGen C0677776, MeSH D061325, MONDO:0003582. Disease mechanism: loss of function.
Fanconi anemia complementation group D2. Also called: FANCD2-Related Fanconi Anemia; FANCONI PANCYTOPENIA, TYPE 4; FANCONI ANEMIA, COMPLEMENTATION GROUP D. Identifiers: Orphanet 84, MedGen C3160738, MONDO:0009214, OMIM 227646.

Allele frequency attached by ClinVar (database versions not stated): ExAC 0.42007; 1000 Genomes Project 30x 0.44410.

Submissions (9):

Women's Health and Genetics/Laboratory Corporation of America, LabCorp
Classification: Benign. Last evaluated: 2026-03-23. Review status: criteria provided, single submitter. Criteria: LabCorp Variant Classification Summary - May 2015. Collection method: clinical testing. Allele origin: germline.
Comment: Variant summary: FANCD2 c.1214A>G (p.Asn405Ser) results in a conservative amino acid change in the encoded protein sequence. Algorithms developed to predict the effect of missense changes on protein structure and function all suggest that this variant is likely to be tolerated. The frequency data for this variant in gnomAD is considered unreliable, as metrics indicate poor data quality at this position. However, the data across multiple population databases (gnomAD, HGVD, JMorp) all agree that this variant occurs at a frequency of >0.30 in at least 1 subpopulation. To our knowledge, no occurrence of c.1214A>G in individuals affected with FANCD2-related conditions and no experimental evidence demonstrating its impact on protein function have been reported. ClinVar contains an entry for this variant (Variation ID: 342263). Based on the evidence outlined above, the variant was classified as benign.

Blueprint Genetics
Classification: Likely benign. Last evaluated: 2024-11-26. Review status: criteria provided, single submitter. Criteria: ACMG Guidelines, 2015. Collection method: clinical testing. Allele origin: germline.

ARUP Laboratories, Molecular Genetics and Genomics, ARUP Laboratories
Classification: Benign for Fanconi anemia complementation group D2. Last evaluated: 2024-01-12. Review status: criteria provided, single submitter. Criteria: ARUP Molecular Germline Variant Investigation Process 2024. Collection method: clinical testing. Allele origin: germline.

National Health Laboratory Service, Universitas Academic Hospital and University of the Free State
Classification: Benign for Hereditary breast ovarian cancer syndrome. Last evaluated: 2022-04-19. Review status: criteria provided, single submitter. Criteria: ACMG Guidelines, 2015. Collection method: clinical testing. Allele origin: germline. Affected: yes. Observed: 6 variant alleles.

Institute for Clinical Genetics, University Hospital TU Dresden, University Hospital TU Dresden
Classification: Benign. Last evaluated: 2021-11-03. Review status: criteria provided, single submitter. Criteria: ACMG Guidelines, 2015. Collection method: clinical testing. Allele origin: germline.

Illumina Laboratory Services, Illumina
Classification: Benign for Fanconi anemia complementation group D2. Last evaluated: 2018-01-13. Review status: criteria provided, single submitter. Criteria: ICSL Variant Classification Criteria 13 December 2019. Collection method: clinical testing. Allele origin: germline.
Comment: This variant was observed in the ICSL laboratory as part of a predisposition screen in an ostensibly healthy population. It had not been previously curated by ICSL or reported in the Human Gene Mutation Database (HGMD: prior to June 1st, 2018), and was therefore a candidate for classification through an automated scoring system. Utilizing variant allele frequency, disease prevalence and penetrance estimates, and inheritance mode, an automated score was calculated to assess if this variant is too frequent to cause the disease. Based on the score and internal cut-off values, a variant classified as benign is not then subjected to further curation. The score for this variant resulted in a classification of benign for this disease.

Labcorp Genetics (formerly Invitae), Labcorp
Classification: Benign for Fanconi anemia. Last evaluated: 2017-08-02. Review status: criteria provided, single submitter. Criteria: Invitae Variant Classification Sherloc (09022015). Collection method: clinical testing. Allele origin: germline.

Breakthrough Genomics
Classification: Benign. Review status: criteria provided, single submitter. Criteria: ACMG Guidelines, 2015. Collection method: not provided. Allele origin: germline. Inheritance: Autosomal recessive inheritance. Affected: yes.

Dr. Peter K. Rogan Lab, Western University
No classification provided (evidence only). Condition: Nonpapillary renal cell carcinoma. Review status: no classification provided. Collection method: in vitro. Allele origin: not applicable. Functional consequence: retained intron. Not counted in ClinVar's aggregate classification.